The following is an entry in ClinVar:

ClinVar aggregate classification (germline): Uncertain significance. Review status: criteria provided, multiple submitters, no conflicts (2 of 4 stars). 2 submissions from 2 submitters: Uncertain significance (2). Last evaluated 2025-08-18.

Conditions:
Inborn genetic diseases. Identifiers: MedGen C0950123, MeSH D030342.
Genitopatellar syndrome (GTPTS). Also called: Genitopatellar syndrome (GPS); ABSENT PATELLAE, SCROTAL HYPOPLASIA, RENAL ANOMALIES, FACIAL DYSMORPHISM, AND MENTAL RETARDATION. Identifiers: Orphanet 85201, MedGen C1853566, MONDO:0011640, OMIM 606170.

Submissions (2):

Labcorp Genetics (formerly Invitae), Labcorp
Classification: Uncertain significance for Genitopatellar syndrome. Last evaluated: 2025-08-18. Review status: criteria provided, single submitter. Criteria: Invitae Variant Classification Sherloc (09022015). Collection method: clinical testing. Allele origin: germline.
Comment: This sequence change replaces glutamic acid, which is acidic and polar, with aspartic acid, which is acidic and polar, at codon 1391 of the KAT6B protein (p.Glu1391Asp). This variant is present in population databases (rs777558001, gnomAD no frequency). This variant has not been reported in the literature in individuals affected with KAT6B-related conditions. ClinVar contains an entry for this variant (Variation ID: 3531861). Invitae Evidence Modeling of protein sequence and biophysical properties (such as structural, functional, and spatial information, amino acid conservation, physicochemical variation, residue mobility, and thermodynamic stability) indicates that this missense variant is not expected to disrupt KAT6B protein function with a negative predictive value of 80%. In summary, the available evidence is currently insufficient to determine the role of this variant in disease. Therefore, it has been classified as a Variant of Uncertain Significance.

Ambry Genetics
Classification: Uncertain significance for Inborn genetic diseases. Last evaluated: 2024-10-25. Review status: criteria provided, single submitter. Criteria: Ambry Variant Classification Scheme 2023. Collection method: clinical testing. Allele origin: germline.

NM_012330.4(KAT6B):c.4173G>C (p.Glu1391Asp)

Gene: KAT6B (lysine acetyltransferase 6B; plus strand). Cytogenetic location: 10q22.2.
Variant type: single nucleotide variant.
Coding change: c.4173G>C on transcript NM_012330.4 (MANE Select); coding-DNA position 4173, G replaced by C.
Protein change: p.Glu1391Asp; replaces glutamic acid 1391 with aspartic acid.
Molecular consequence: missense variant.
Genome position (GRCh38, 1-based): chr10:75,028,997, G>C. VCF-style: chr10-75028997-G-C. GRCh37 (hg19) VCF-style: chr10-76788755-G-C.
Other names: c.3624G>C, p.Glu1208Asp (NM_001256468.2, NM_001370138.1); c.3297G>C, p.Glu1099Asp (NM_001256469.2, NM_001370139.1, NM_001370140.1 and 2 more transcripts); c.3135G>C, p.Glu1045Asp (NM_001370132.1); c.2484G>C, p.Glu828Asp (NM_001370133.1); c.2088G>C, p.Glu696Asp (NM_001370134.1); c.1830G>C, p.Glu610Asp (NM_001370135.1); c.4173G>C, p.Glu1391Asp (NM_001370136.1, NM_001370137.1); c.3108G>C, p.Glu1036Asp (NM_001370143.1, NM_001370144.1); short protein forms E1099D, E1208D, E1045D, E696D, E1036D, E1391D, E828D, E610D.
Identifiers: ClinVar variation 3531861 (VCV003531861.3).